The following is an entry in ClinVar:

ClinVar aggregate classification (germline): Likely benign (1 of 4 stars; one submission).

gnomAD v4.1: 933 of 1,609,876 alleles (0.058%); highest among the groups gnomAD compares: South Asian, 0.98%; 11 homozygotes.

Submission:

CeGaT Center for Human Genetics Tuebingen
Classification: Likely benign. Last evaluated: 2026-06-01. Review status: criteria provided, single submitter. Criteria: CeGaT Center For Human Genetics Tuebingen Variant Classification Criteria Version 2. Collection method: clinical testing. Allele origin: germline. Affected: yes. Observed: 1 variant allele.
Comment: E2F3: BS2

NM_001949.5(E2F3):c.226A>G (p.Ser76Gly)

Genes: E2F3 (E2F transcription factor 3; plus strand), E2F3-AS1 (E2F3 antisense RNA 1; minus strand). Cytogenetic location: 6p22.3.
Variant type: single nucleotide variant.
Coding change: c.226A>G on transcript NM_001949.5 (MANE Select); coding-DNA position 226, A replaced by G.
Protein change: p.Ser76Gly; replaces serine 76 with glycine.
Molecular consequence: missense variant.
Genome position (GRCh38, 1-based): chr6:20,402,458, A>G. VCF-style: chr6-20402458-A-G. GRCh37 (hg19) VCF-style: chr6-20402689-A-G.
Other names: short protein forms S76G.
Identifiers: ClinVar variation 4872887 (VCV004872887.2).